The following is an entry in ClinVar:

ClinVar aggregate classification (germline): Uncertain significance (1 of 4 stars; one submission).

Conditions:
MAGEL2-related disorder. Also called: MAGEL2-related condition.

Submission:

PreventionGenetics, part of Exact Sciences
Classification: Uncertain significance for MAGEL2-related condition. Last evaluated: 2026-05-27. Review status: criteria provided, single submitter. Criteria: ACMG Guidelines, 2015. Collection method: clinical testing. Allele origin: germline.
Comment: The MAGEL2 c.1481G>A variant is predicted to result in the amino acid substitution p.Arg494His. To our knowledge, this variant has not been reported in the literature or in a large population database (gnomAD), indicating this variant is rare. At this time, the clinical significance of this variant is uncertain due to the absence of conclusive functional and genetic evidence.

NM_019066.5(MAGEL2):c.1481G>A (p.Arg494His)

Gene: MAGEL2 (MAGE family member L2; minus strand). Cytogenetic location: 15q11.2.
Variant type: single nucleotide variant.
Coding change: c.1481G>A on transcript NM_019066.5 (MANE Select); coding-DNA position 1481, G replaced by A.
Protein change: p.Arg494His; replaces arginine 494 with histidine.
Molecular consequence: missense variant.
Genome position (GRCh38, 1-based): chr15:23,646,262, C>T on the plus strand (G>A on the coding strand, the complement: MAGEL2 is on the minus strand). VCF-style: chr15-23646262-C-T. GRCh37 (hg19) VCF-style: chr15-23891409-C-T.
Other names: short protein forms R494H.
Identifiers: ClinVar variation 4988028 (VCV004988028.1).